The following is an entry in ClinVar:

NM_000719.7(CACNA1C):c.2465A>G (p.Asn822Ser)

Gene: CACNA1C (calcium voltage-gated channel subunit alpha1 C; plus strand). Cytogenetic location: 12p13.33.
Variant type: single nucleotide variant.
Coding change: c.2465A>G on transcript NM_000719.7 (MANE Select); coding-DNA position 2465, A replaced by G.
Protein change: p.Asn822Ser; replaces asparagine 822 with serine.
Molecular consequence: missense variant.
Genome position (GRCh38, 1-based): chr12:2,585,839, A>G. VCF-style: chr12-2585839-A-G. GRCh37 (hg19) VCF-style: chr12-2695005-A-G.
Other names: c.2465A>G, p.Asn822Ser (NM_001129827.2, NM_001129829.2, NM_001129830.3 and 18 more transcripts); c.2456A>G, p.Asn819Ser (NM_001129844.2); short protein forms N822S, N819S.
Identifiers: ClinVar variation 3647488 (VCV003647488.2).
Genomic context (GRCh38, chr12:2,585,839, plus strand): 5'-CTTAACTTGGGGACGTATCTAACTATTCTTCCCCCTTCTCCCCTGTGACTGTCTAGATCA[A>G]CATGGATGACCTCCAGCCCAATGAAAATGAGGATAAGAGCCCCTACCCCAACCCAGAAAC-3'
Protein context (NP_000710.5, residues 812-832): DGESPPATKI[Asn822Ser]MDDLQPNENE

ClinVar aggregate classification (germline): Uncertain significance (1 of 4 stars; one submission).

Conditions:
Long QT syndrome (LQTS). Identifiers: MedGen C0023976, MeSH D008133, MONDO:0002442. Disease mechanism: loss of function. Inheritance: Various modes of inheritance.

Submission:

Labcorp Genetics (formerly Invitae), Labcorp
Classification: Uncertain significance for Long QT syndrome. Last evaluated: 2024-03-24. Review status: criteria provided, single submitter. Criteria: Invitae Variant Classification Sherloc (09022015). Collection method: clinical testing. Allele origin: germline.
Comment: This sequence change replaces asparagine, which is neutral and polar, with serine, which is neutral and polar, at codon 822 of the CACNA1C protein (p.Asn822Ser). This variant is not present in population databases (gnomAD no frequency). This variant has not been reported in the literature in individuals affected with CACNA1C-related conditions. Advanced modeling of protein sequence and biophysical properties (such as structural, functional, and spatial information, amino acid conservation, physicochemical variation, residue mobility, and thermodynamic stability) performed at Invitae indicates that this missense variant is not expected to disrupt CACNA1C protein function with a negative predictive value of 95%. In summary, the available evidence is currently insufficient to determine the role of this variant in disease. Therefore, it has been classified as a Variant of Uncertain Significance.